The following is an entry in ClinVar:

ClinVar aggregate classification (germline): Likely benign (1 of 4 stars; one submission).

Conditions:
CEP290-related disorder. Also called: CEP290-related condition; CEP290-related disorders. Identifiers: MedGen CN239314.

Submission:

PreventionGenetics, part of Exact Sciences
Classification: Likely benign for CEP290-related condition. Last evaluated: 2026-02-09. Review status: criteria provided, single submitter. Criteria: ACMG Guidelines, 2015. Collection method: clinical testing. Allele origin: germline.
Comment: This variant is classified as likely benign based on ACMG/AMP sequence variant interpretation guidelines (Richards et al. 2015 PMID: 25741868, with internal and published modifications).

NM_025114.4(CEP290):c.4704+23A>G

Gene: CEP290 (centrosomal protein 290; minus strand). Cytogenetic location: 12q21.32.
Variant type: single nucleotide variant.
Coding change: c.4704+23A>G on transcript NM_025114.4 (MANE Select); 23 bases into the intron after coding-DNA position 4704, A replaced by G.
Molecular consequence: intron variant.
Genome position (GRCh38, 1-based): chr12:88,084,563, T>C on the plus strand (A>G on the coding strand, the complement: CEP290 is on the minus strand). VCF-style: chr12-88084563-T-C. GRCh37 (hg19) VCF-style: chr12-88478340-T-C.
Identifiers: ClinVar variation 4989384 (VCV004989384.1).